The following is an entry in ClinVar:

NM_001433705.1(NLRP5):c.2604A>G (p.Arg868=)

Gene: NLRP5 (NLR family pyrin domain containing 5; plus strand). Cytogenetic location: 19q13.43.
Variant type: single nucleotide variant.
Coding change: c.2604A>G on transcript NM_001433705.1 (MANE Select); coding-DNA position 2604, A replaced by G.
Protein change: p.Arg868=; no amino-acid change (arginine 868 retained).
Molecular consequence: synonymous variant.
Genome position (GRCh38, 1-based): chr19:56,038,166, A>G. VCF-style: chr19-56038166-A-G. GRCh37 (hg19) VCF-style: chr19-56549532-A-G.
Other names: NM_153447.4:c.2757A>G.
Identifiers: ClinVar variation 3059075 (VCV003059075.2), dbSNP rs306447, ClinGen allele CA9685993.
Genomic context (GRCh38, chr19:56,038,166, plus strand): 5'-GAGCCTGGCAGGAAACAAGGTGACAGACCAGGGAGTAATGCCTCTCAGTGATGCCTTGAG[A>G]GTCTCCCAGTGCGCCCTGCAGAAGCTGATGTGAGTGCCACTTCCTTTCCACCAGGATTAT-3'
Protein context (NP_001420634.1, residues 858-878): QGVMPLSDAL[Arg868=]VSQCALQKLI

ClinVar aggregate classification (germline): Benign (0 of 4 stars; one submission).

Conditions:
NLRP5-related disorder. Also called: NLRP5-related condition.

Allele frequency attached by ClinVar (database versions not stated): ESP Exome Variant Server 0.28754; TOPMed 0.29694; 1000 Genomes Project 0.30312; 1000 Genomes Project 30x 0.30559; ExAC 0.24974.
gnomAD v4.1: 389,656 of 1,612,596 alleles (24%); highest among the groups gnomAD compares: African/African-American, 45%; 49,478 homozygotes.

Submission:

PreventionGenetics, part of Exact Sciences
Classification: Benign for NLRP5-related condition. Last evaluated: 2024-01-05. Review status: no assertion criteria provided. Collection method: clinical testing. Allele origin: germline.
Comment: This variant is classified as benign based on ACMG/AMP sequence variant interpretation guidelines (Richards et al. 2015 PMID: 25741868, with internal and published modifications).